The following is an entry in ClinVar:

ClinVar aggregate classification (germline): Uncertain significance. Review status: criteria provided, multiple submitters, no conflicts (2 of 4 stars). 2 submissions from 2 submitters: Uncertain significance (2). Last evaluated 2024-07-23.

Conditions:
Noonan syndrome (NS). Also called: Noonan's syndrome. Identifiers: Orphanet 648, MedGen C0028326, MeSH D009634, MONDO:0018997. Disease mechanism: gain of function.

Allele frequency attached by ClinVar (database versions not stated): TOPMed 0.00002; gnomAD 0.00003; ESP Exome Variant Server 0.00008; ExAC 0.00002.
gnomAD v4.1: 26 of 1,614,030 alleles (0.0016%); highest among the groups gnomAD compares: East Asian, 0.0045%; no homozygotes.

Submissions (2):

Labcorp Genetics (formerly Invitae), Labcorp
Classification: Uncertain significance for Noonan syndrome. Last evaluated: 2024-07-23. Review status: criteria provided, single submitter. Criteria: Invitae Variant Classification Sherloc (09022015). Collection method: clinical testing. Allele origin: germline.
Comment: This sequence change replaces arginine, which is basic and polar, with histidine, which is basic and polar, at codon 132 of the RRAS protein (p.Arg132His). This variant is present in population databases (rs142277653, gnomAD 0.005%). This variant has not been reported in the literature in individuals affected with RRAS-related conditions. ClinVar contains an entry for this variant (Variation ID: 1736508). An algorithm developed to predict the effect of missense changes on protein structure and function (PolyPhen-2) suggests that this variant is likely to be disruptive. In summary, the available evidence is currently insufficient to determine the role of this variant in disease. Therefore, it has been classified as a Variant of Uncertain Significance.

Ambry Genetics
Classification: Uncertain significance. Last evaluated: 2021-11-24. Review status: criteria provided, single submitter. Criteria: Ambry Variant Classification Scheme 2023. Collection method: clinical testing. Allele origin: germline.
Comment: The p.R132H variant (also known as c.395G>A), located in coding exon 4 of the RRAS gene, results from a G to A substitution at nucleotide position 395. The arginine at codon 132 is replaced by histidine, an amino acid with highly similar properties. This amino acid position is conserved. In addition, this alteration is predicted to be tolerated by in silico analysis. Since supporting evidence is limited at this time, the clinical significance of this alteration remains unclear.

NM_006270.5(RRAS):c.395G>A (p.Arg132His)

Gene: RRAS (RAS related; minus strand). Cytogenetic location: 19q13.33.
Variant type: single nucleotide variant.
Coding change: c.395G>A on transcript NM_006270.5 (MANE Select); coding-DNA position 395, G replaced by A.
Protein change: p.Arg132His; replaces arginine 132 with histidine.
Molecular consequence: missense variant.
Genome position (GRCh38, 1-based): chr19:49,636,677, C>T on the plus strand (G>A on the coding strand, the complement: RRAS is on the minus strand). VCF-style: chr19-49636677-C-T. GRCh37 (hg19) VCF-style: chr19-50139934-C-T.
Other names: short protein forms R132H.
Identifiers: ClinVar variation 1736508 (VCV001736508.7), dbSNP rs142277653, ClinGen allele CA9579034.
Genomic context (GRCh38, chr19:49,636,677, plus strand): 5'-ACCTGGCGCTGTGACTCCAGATCTGCCTTGTTCCCGACCAACACAACGGGGAAGTCGTCG[C>T]GGTCCTTGACCCGCAGAATCTGCGTGAAGAGCTTGCCCACCTCGTTGAAACTGCGAGTGA-3'
Protein context (NP_006261.1, residues 122-142): LFTQILRVKD[Arg132His]DDFPVVLVGN